The following is an entry in ClinVar:

ClinVar aggregate classification (germline): Uncertain significance (1 of 4 stars; one submission).

Conditions:
Inborn genetic diseases. Identifiers: MedGen C0950123, MeSH D030342.

Submission:

Ambry Genetics
Classification: Uncertain significance for Inborn genetic diseases. Last evaluated: 2025-04-12. Review status: criteria provided, single submitter. Criteria: Ambry Variant Classification Scheme 2023. Collection method: clinical testing. Allele origin: germline.
Comment: The p.A319T variant (also known as c.955G>A), located in coding exon 10 of the DDX41 gene, results from a G to A substitution at nucleotide position 955. The alanine at codon 319 is replaced by threonine, an amino acid with similar properties. This amino acid position is conserved. In addition, the in silico prediction for this alteration is inconclusive. Based on the available evidence, the clinical significance of this variant remains unclear.

NM_016222.4(DDX41):c.955G>A (p.Ala319Thr)

Gene: DDX41 (DEAD-box helicase 41; minus strand). Cytogenetic location: 5q35.3.
Variant type: single nucleotide variant.
Coding change: c.955G>A on transcript NM_016222.4 (MANE Select); coding-DNA position 955, G replaced by A.
Protein change: p.Ala319Thr; replaces alanine 319 with threonine.
Molecular consequence: missense variant.
Genome position (GRCh38, 1-based): chr5:177,513,828, C>T on the plus strand (G>A on the coding strand, the complement: DDX41 is on the minus strand). VCF-style: chr5-177513828-C-T. GRCh37 (hg19) VCF-style: chr5-176940829-C-T.
Other names: c.577G>A, p.Ala193Thr (NM_001321732.2, NM_001321830.2); short protein forms A319T, A193T.
Identifiers: ClinVar variation 4010315 (VCV004010315.1).